The following is an entry in ClinVar:

NM_012469.4(PRPF6):c.826G>T (p.Asp276Tyr)

Gene: PRPF6 (pre-mRNA processing factor 6; plus strand). Cytogenetic location: 20q13.33.
Variant type: single nucleotide variant.
Coding change: c.826G>T on transcript NM_012469.4 (MANE Select); coding-DNA position 826, G replaced by T.
Protein change: p.Asp276Tyr; replaces aspartic acid 276 with tyrosine.
Molecular consequence: missense variant.
Genome position (GRCh38, 1-based): chr20:63,999,099, G>T. VCF-style: chr20-63999099-G-T. GRCh37 (hg19) VCF-style: chr20-62630452-G-T.
Other names: short protein forms D276Y.
Identifiers: ClinVar variation 1511462 (VCV001511462.8), dbSNP rs2123019307, ClinGen allele CA409717948.

ClinVar aggregate classification (germline): Uncertain significance (1 of 4 stars; one submission).

Allele frequency attached by ClinVar (database versions not stated): gnomAD exomes below 0.00001.
gnomAD v4.1: 1 of 1,613,958 alleles (0.000062%); highest among the groups gnomAD compares: Non-Finnish European, 0.000085%; no homozygotes.

Submission:

Labcorp Genetics (formerly Invitae), Labcorp
Classification: Uncertain significance. Last evaluated: 2021-06-06. Review status: criteria provided, single submitter. Criteria: Invitae Variant Classification Sherloc (09022015). Collection method: clinical testing. Allele origin: germline.
Comment: This sequence change replaces aspartic acid with tyrosine at codon 276 of the PRPF6 protein (p.Asp276Tyr). The aspartic acid residue is highly conserved and there is a large physicochemical difference between aspartic acid and tyrosine. This variant has not been reported in the literature in individuals with PRPF6-related conditions. In summary, the available evidence is currently insufficient to determine the role of this variant in disease. Therefore, it has been classified as a Variant of Uncertain Significance. Algorithms developed to predict the effect of sequence changes on RNA splicing suggest that this variant may create or strengthen a splice site, but this prediction has not been confirmed by published transcriptional studies. Algorithms developed to predict the effect of missense changes on protein structure and function (SIFT, PolyPhen-2, Align-GVGD) all suggest that this variant is likely to be disruptive, but these predictions have not been confirmed by published functional studies and their clinical significance is uncertain. This variant is not present in population databases (ExAC no frequency).